The following is an entry in ClinVar:

ClinVar aggregate classification (germline): Uncertain significance (1 of 4 stars; one submission).

Conditions:
Mitochondrial trifunctional protein deficiency. Identifiers: Orphanet 746, MedGen C1969443, MONDO:0012172.

gnomAD v4.1: 2 of 1,614,028 alleles (0.00012%); highest among the groups gnomAD compares: Non-Finnish European, 0.00017%; no homozygotes.

Submission:

Labcorp Genetics (formerly Invitae), Labcorp
Classification: Uncertain significance for Mitochondrial trifunctional protein deficiency. Last evaluated: 2022-08-22. Review status: criteria provided, single submitter. Criteria: Invitae Variant Classification Sherloc (09022015). Collection method: clinical testing. Allele origin: germline.
Comment: This sequence change replaces glycine, which is neutral and non-polar, with serine, which is neutral and polar, at codon 453 of the HADHB protein (p.Gly453Ser). This variant is not present in population databases (gnomAD no frequency). This variant has not been reported in the literature in individuals affected with HADHB-related conditions. Algorithms developed to predict the effect of missense changes on protein structure and function (SIFT, PolyPhen-2, Align-GVGD) all suggest that this variant is likely to be tolerated. In summary, the available evidence is currently insufficient to determine the role of this variant in disease. Therefore, it has been classified as a Variant of Uncertain Significance.

NM_000183.3(HADHB):c.1357G>A (p.Gly453Ser)

Gene: HADHB (hydroxyacyl-CoA dehydrogenase trifunctional multienzyme complex subunit beta; plus strand). Cytogenetic location: 2p23.3.
Variant type: single nucleotide variant.
Coding change: c.1357G>A on transcript NM_000183.3 (MANE Select); coding-DNA position 1357, G replaced by A.
Protein change: p.Gly453Ser; replaces glycine 453 with serine.
Molecular consequence: missense variant.
Genome position (GRCh38, 1-based): chr2:26,285,539, G>A. VCF-style: chr2-26285539-G-A. GRCh37 (hg19) VCF-style: chr2-26508407-G-A.
Other names: c.1312G>A, p.Gly438Ser (NM_001281512.2); c.1291G>A, p.Gly431Ser (NM_001281513.2); short protein forms G453S, G431S, G438S.
Identifiers: ClinVar variation 1898470 (VCV001898470.2), dbSNP rs919029156, ClinGen allele CA346096929.
Genomic context (GRCh38, chr2:26,285,539, plus strand): 5'-ACTGGCTGCAGGTTGGTCATGGCTGCTGCCAACAGATTACGGAAAGAAGGAGGCCAGTAT[G>A]GCTTAGTGGCTGCGTGTGCAGCTGGAGGGCAGGTACGTTACAGTGGTGTCATAGGACCCT-3'
Protein context (NP_000174.1, residues 443-463): NRLRKEGGQY[Gly453Ser]LVAACAAGGQ